The following is an entry in ClinVar:

NM_003937.3(KYNU):c.616G>A (p.Glu206Lys)

Gene: KYNU (kynureninase; plus strand). Cytogenetic location: 2q22.2.
Variant type: single nucleotide variant.
Coding change: c.616G>A on transcript NM_003937.3 (MANE Select); coding-DNA position 616, G replaced by A.
Protein change: p.Glu206Lys; replaces glutamic acid 206 with lysine.
Molecular consequence: missense variant.
Genome position (GRCh38, 1-based): chr2:142,960,657, G>A. VCF-style: chr2-142960657-G-A. GRCh37 (hg19) VCF-style: chr2-143718226-G-A.
Other names: c.616G>A, p.Glu206Lys (NM_001032998.2, NM_001199241.2); short protein forms E206K.
Identifiers: ClinVar variation 988090 (VCV000988090.4), dbSNP rs765122670, ClinGen allele CA1896779.

ClinVar aggregate classification (germline): Pathogenic/Likely pathogenic. Review status: no assertion criteria provided (0 of 4 stars). 2 submissions from 2 submitters: Pathogenic (1); Likely pathogenic (1). Last evaluated 2024-03-06.

Conditions:
Vertebral, cardiac, renal, and limb defects syndrome 2. Also called: KYNURENINASE DEFICIENCY, COMPLETE; CONGENITAL NAD DEFICIENCY DISORDER 2. Identifiers: MedGen C4540014, MONDO:0060555, OMIM 617661.
Congenital NAD deficiency disorder. Identifiers: MedGen CN241975.

Allele frequency attached by ClinVar (database versions not stated): gnomAD exomes 0.00001 and 0.00002; ExAC 0.00002.

Submissions (2):

OMIM
Classification: Pathogenic for VERTEBRAL, CARDIAC, RENAL, AND LIMB DEFECTS SYNDROME 2. Last evaluated: 2024-03-06. Review status: no assertion criteria provided. Collection method: literature only. Allele origin: germline.

Embryology Laboratory, Victor Chang Cardiac Research Institute
Classification: Likely pathogenic for Congenital NAD Deficiency Disorder. Last evaluated: 2020-11-11. Review status: no assertion criteria provided. Collection method: research. Allele origin: inherited. Inheritance: Autosomal recessive inheritance. Affected: yes. Observed: 1 variant allele, 1 homozygote.

Literature cited by the submitters: PubMed 33942433 (cited by OMIM and Embryology Laboratory, Victor Chang Cardiac Research Institute).